The following is an entry in ClinVar:

ClinVar aggregate classification (germline): Likely pathogenic (1 of 4 stars; one submission).

Conditions:
Hereditary hemorrhagic telangiectasia (HHT). Also called: ORW DISEASE; Osler Weber Rendu syndrome; OSLER-RENDU-WEBER DISEASE; Osler hemorrhagic telangiectasia syndrome. Identifiers: Orphanet 774, MedGen C0039445, MONDO:0019180. Disease mechanism: loss of function.

Submission:

Labcorp Genetics (formerly Invitae), Labcorp
Classification: Likely pathogenic for Hereditary hemorrhagic telangiectasia. Last evaluated: 2023-06-05. Review status: criteria provided, single submitter. Criteria: Invitae Variant Classification Sherloc (09022015). Collection method: clinical testing. Allele origin: germline.
Comment: This variant is not present in population databases (gnomAD no frequency). This sequence change replaces leucine, which is neutral and non-polar, with serine, which is neutral and polar, at codon 405 of the ENG protein (p.Leu405Ser). This missense change has been observed in individual(s) with hereditary hemorrhagic telangiectasia (HHT) (Invitae). In summary, the currently available evidence indicates that the variant is pathogenic, but additional data are needed to prove that conclusively. Therefore, this variant has been classified as Likely Pathogenic. Advanced modeling of protein sequence and biophysical properties (such as structural, functional, and spatial information, amino acid conservation, physicochemical variation, residue mobility, and thermodynamic stability) performed at Invitae indicates that this missense variant is expected to disrupt ENG protein function. ClinVar contains an entry for this variant (Variation ID: 2120044).

NM_001114753.3(ENG):c.1214T>C (p.Leu405Ser)

Genes: ENG (endoglin; minus strand), LOC102723566 (uncharacterized LOC102723566; plus strand). Cytogenetic location: 9q34.11.
Variant type: single nucleotide variant.
Coding change: c.1214T>C on transcript NM_001114753.3 (MANE Select); coding-DNA position 1214, T replaced by C.
Protein change: p.Leu405Ser; replaces leucine 405 with serine.
Molecular consequence: missense variant.
Genome position (GRCh38, 1-based): chr9:127,819,958, A>G on the plus strand (T>C on the coding strand, the complement: ENG is on the minus strand). VCF-style: chr9-127819958-A-G. GRCh37 (hg19) VCF-style: chr9-130582237-A-G.
Other names: c.1214T>C, p.Leu405Ser (NM_000118.4); c.668T>C, p.Leu223Ser (NM_001278138.2); short protein forms L405S, L223S.
Identifiers: ClinVar variation 2120044 (VCV002120044.4), dbSNP rs2539064198, ClinGen allele CA374978452.